The following is an entry in ClinVar:

ClinVar aggregate classification (germline): Benign/Likely benign. Review status: criteria provided, multiple submitters, no conflicts (2 of 4 stars). 3 submissions from 3 submitters: Benign (1); Likely benign (2). Last evaluated 2026-05-01.

Conditions:
Imerslund-Grasbeck syndrome type 1 (IGS1). Also called: Megaloblastic anemia 1, Finnish type; MEGALOBLASTIC ANEMIA, 1; Imerslund-Gräsbeck syndrome 1. Identifiers: MedGen C4016819, MONDO:0100156, OMIM 261100.
Proteinuria, chronic benign. Identifiers: MedGen C5394384, MONDO:0030042, OMIM 618884.
Imerslund-Grasbeck syndrome. Also called: Megaloblastic anemia due to inborn errors of metabolism; PERNICIOUS ANEMIA, JUVENILE, DUE TO SELECTIVE INTESTINAL MALABSORPTION OF VITAMIN B12, WITH PROTEINURIA; Imerslund-Gräsbeck syndrome; ENTEROCYTE COBALAMIN MALABSORPTION; ENTEROCYTE INTRINSIC FACTOR RECEPTOR, DEFECT OF. Identifiers: Orphanet 35858, MedGen C4551825, MONDO:0009853.

Allele frequency attached by ClinVar (database versions not stated): gnomAD 0.00005; TOPMed 0.00006; gnomAD exomes 0.00007 and 0.00017; ExAC 0.00012.
gnomAD v4.1: 108 of 1,613,944 alleles (0.0067%); highest among the groups gnomAD compares: South Asian, 0.064%; 2 homozygotes.

Submissions (3):

CeGaT Center for Human Genetics Tuebingen
Classification: Likely benign. Last evaluated: 2026-05-01. Review status: criteria provided, single submitter. Criteria: CeGaT Center For Human Genetics Tuebingen Variant Classification Criteria Version 2. Collection method: clinical testing. Allele origin: germline. Affected: yes. Observed: 1 variant allele.
Comment: CUBN: BP4, BP7

Labcorp Genetics (formerly Invitae), Labcorp
Classification: Benign for Imerslund-Grasbeck syndrome. Last evaluated: 2025-12-08. Review status: criteria provided, single submitter. Criteria: Invitae Variant Classification Sherloc (09022015). Collection method: clinical testing. Allele origin: germline.

Fulgent Genetics
Classification: Likely benign for Imerslund-Grasbeck syndrome type 1; Proteinuria, chronic benign. Last evaluated: 2022-02-17. Review status: criteria provided, single submitter. Criteria: ACMG Guidelines, 2015. Collection method: clinical testing. Allele origin: unknown.

NM_001081.4(CUBN):c.4470C>T (p.Thr1490=)

Gene: CUBN (cubilin; minus strand). Cytogenetic location: 10p13.
Variant type: single nucleotide variant.
Coding change: c.4470C>T on transcript NM_001081.4 (MANE Select); coding-DNA position 4470, C replaced by T.
Protein change: p.Thr1490=; no amino-acid change (threonine 1490 retained).
Molecular consequence: synonymous variant.
Genome position (GRCh38, 1-based): chr10:16,984,160, G>A on the plus strand (C>T on the coding strand, the complement: CUBN is on the minus strand). VCF-style: chr10-16984160-G-A. GRCh37 (hg19) VCF-style: chr10-17026159-G-A.
Identifiers: ClinVar variation 697458 (VCV000697458.13), dbSNP rs768720429, ClinGen allele CA5424378.